The following is an entry in ClinVar:

ClinVar aggregate classification (germline): Uncertain significance. Review status: criteria provided, multiple submitters, no conflicts (2 of 4 stars). 4 submissions from 4 submitters: Uncertain significance (4). Last evaluated 2025-11-04.

Conditions:
Hereditary cancer-predisposing syndrome. Also called: Neoplastic Syndromes, Hereditary; Tumor predisposition; Hereditary Cancer Syndrome; Hereditary neoplastic syndrome. Identifiers: Orphanet 140162, MedGen C0027672, MeSH D009386, MONDO:0015356.
Polyps, multiple and recurrent inflammatory fibroid, gastrointestinal. Identifiers: MedGen C5193005, MONDO:0008285, OMIM 175510.
Gastrointestinal stromal tumor. Also called: Gastrointestinal stromal tumor, somatic; Gastrointestinal stroma tumor. Identifiers: Orphanet 44890, MedGen C0238198, MeSH D046152, MONDO:0011719, OMIM 606764, HP:0100723.

Allele frequency attached by ClinVar (database versions not stated): TOPMed 0.00001.
gnomAD v4.1: 4 of 1,614,012 alleles (0.00025%); highest among the groups gnomAD compares: East Asian, 0.0022%; no homozygotes.

Submissions (4):

Labcorp Genetics (formerly Invitae), Labcorp
Classification: Uncertain significance for Gastrointestinal stromal tumor. Last evaluated: 2025-11-04. Review status: criteria provided, single submitter. Criteria: Invitae Variant Classification Sherloc (09022015). Collection method: clinical testing. Allele origin: germline.
Comment: This sequence change replaces threonine, which is neutral and polar, with alanine, which is neutral and non-polar, at codon 99 of the PDGFRA protein (p.Thr99Ala). This variant is not present in population databases (gnomAD no frequency). This variant has not been reported in the literature in individuals affected with PDGFRA-related conditions. ClinVar contains an entry for this variant (Variation ID: 839446). Invitae Evidence Modeling of protein sequence and biophysical properties (such as structural, functional, and spatial information, amino acid conservation, physicochemical variation, residue mobility, and thermodynamic stability) indicates that this missense variant is not expected to disrupt PDGFRA protein function with a negative predictive value of 80%. In summary, the available evidence is currently insufficient to determine the role of this variant in disease. Therefore, it has been classified as a Variant of Uncertain Significance.

Ambry Genetics
Classification: Uncertain significance for Hereditary cancer-predisposing syndrome. Last evaluated: 2025-03-07. Review status: criteria provided, single submitter. Criteria: Ambry Variant Classification Scheme 2023. Collection method: clinical testing. Allele origin: germline.
Comment: The p.T99A variant (also known as c.295A>G), located in coding exon 2 of the PDGFRA gene, results from an A to G substitution at nucleotide position 295. The threonine at codon 99 is replaced by alanine, an amino acid with similar properties. This amino acid position is conserved. In addition, this alteration is predicted to be tolerated by in silico analysis. Since supporting evidence is limited at this time, the clinical significance of this alteration remains unclear.

Baylor Genetics
Classification: Uncertain significance for Polyps, multiple and recurrent inflammatory fibroid, gastrointestinal. Last evaluated: 2024-03-20. Review status: criteria provided, single submitter. Criteria: ACMG Guidelines, 2015. Collection method: clinical testing. Allele origin: unknown.

GeneDx
Classification: Uncertain significance. Last evaluated: 2023-10-19. Review status: criteria provided, single submitter. Criteria: GeneDx Variant Classification Process June 2021. Collection method: clinical testing. Allele origin: germline. Affected: yes.
Comment: Not observed at significant frequency in large population cohorts (gnomAD); In silico analysis supports that this missense variant does not alter protein structure/function; Has not been previously published as pathogenic or benign to our knowledge

NM_006206.6(PDGFRA):c.295A>G (p.Thr99Ala)

Gene: PDGFRA (platelet derived growth factor receptor alpha; plus strand). Cytogenetic location: 4q12.
Variant type: single nucleotide variant.
Coding change: c.295A>G on transcript NM_006206.6 (MANE Select); coding-DNA position 295, A replaced by G.
Protein change: p.Thr99Ala; replaces threonine 99 with alanine.
Molecular consequence: missense variant.
Genome position (GRCh38, 1-based): chr4:54,261,340, A>G. VCF-style: chr4-54261340-A-G. GRCh37 (hg19) VCF-style: chr4-55127507-A-G.
Other names: c.295A>G, p.Thr99Ala (NM_001347827.2, NM_001347829.2); c.370A>G, p.Thr124Ala (NM_001347828.2); c.334A>G, p.Thr112Ala (NM_001347830.2); short protein forms T112A, T124A, T99A.
Identifiers: ClinVar variation 839446 (VCV000839446.15), dbSNP rs1265201159, ClinGen allele CA356888831.
Genomic context (GRCh38, chr4:54,261,340, plus strand): 5'-GGCCTTTTTGTGACGGTCTTGGAAGTGAGCAGTGCCTCGGCGGCCCACACAGGGTTGTAC[A>G]CTTGCTATTACAACCACACTCAGACAGAAGAGAATGAGCTTGAAGGCAGGCACATTTACA-3'
Protein context (NP_006197.1, residues 89-109): SASAAHTGLY[Thr99Ala]CYYNHTQTEE